The following is an entry in ClinVar:

ClinVar aggregate classification (germline): Likely benign (1 of 4 stars; one submission).

Conditions:
Familial cancer of breast. Also called: BREAST CANCER, FAMILIAL; Hereditary breast cancer; hereditary breast carcinoma. Identifiers: Orphanet 227535, MedGen C0346153, MONDO:0016419, OMIM 114480. Disease mechanism: loss of function.

Submission:

Myriad Genetics, Inc.
Classification: Likely benign for Familial cancer of breast. Last evaluated: 2024-05-10. Review status: criteria provided, single submitter. Criteria: Myriad Autosomal Dominant, Autosomal Recessive and X-Linked Classification Criteria (2023). Collection method: clinical testing. Allele origin: unknown.
Comment: This variant is considered likely benign. This variant is intronic and is not expected to impact mRNA splicing.

NM_000051.4(ATM):c.2639-19G>C

Gene: ATM (ATM serine/threonine kinase; plus strand). Cytogenetic location: 11q22.3.
Variant type: single nucleotide variant.
Coding change: c.2639-19G>C on transcript NM_000051.4 (MANE Select); 19 bases into the intron before coding-DNA position 2639, G replaced by C.
Molecular consequence: intron variant.
Genome position (GRCh38, 1-based): chr11:108,268,391, G>C. VCF-style: chr11-108268391-G-C. GRCh37 (hg19) VCF-style: chr11-108139118-G-C.
Other names: c.2639-19G>C (NM_001351834.2).
Identifiers: ClinVar variation 3254216 (VCV003254216.1), dbSNP rs2135522491.